The following is an entry in ClinVar:

ClinVar aggregate classification (germline): Conflicting classifications of pathogenicity. Review status: criteria provided, conflicting classifications (1 of 4 stars). 11 submissions from 11 submitters: Uncertain significance (8); Benign (1); Likely benign (1). 1 of the submissions does not count toward it. Last evaluated 2026-01-16.

Conditions:
Hereditary nonpolyposis colorectal neoplasms. Identifiers: MedGen C0009405, MeSH D003123.
Lynch syndrome 5 (LYNCH5). Also called: Colorectal cancer, hereditary nonpolyposis, type 5; Hereditary non-polyposis colorectal cancer, type 5. Identifiers: Orphanet 144, MedGen C1833477, MONDO:0013710, OMIM 614350. Disease mechanism: loss of function.
Endometrial carcinoma. Also called: Endometrial carcinoma, somatic. Identifiers: MedGen C0476089, MONDO:0002447, OMIM 608089, HP:0012114.
Mismatch repair cancer syndrome 3. Identifiers: MedGen C5436807, MONDO:0030841, OMIM 619097.
Hereditary cancer-predisposing syndrome. Also called: Hereditary neoplastic syndrome; Tumor predisposition; Hereditary Cancer Syndrome; Neoplastic Syndromes, Hereditary. Identifiers: Orphanet 140162, MedGen C0027672, MeSH D009386, MONDO:0015356.
Lynch syndrome. Identifiers: Orphanet 144, MedGen C4552100, MONDO:0005835. Disease mechanism: loss of function.

Allele frequency attached by ClinVar (database versions not stated): gnomAD exomes below 0.00001; TOPMed 0.00003.
gnomAD v4.1: 7 of 1,614,046 alleles (0.00043%); highest among the groups gnomAD compares: Non-Finnish European, 0.00059%; no homozygotes.

Submissions (11):

Labcorp Genetics (formerly Invitae), Labcorp
Classification: Likely benign for Hereditary nonpolyposis colorectal neoplasms. Last evaluated: 2026-01-16. Review status: criteria provided, single submitter. Criteria: Invitae Variant Classification Sherloc (09022015). Collection method: clinical testing. Allele origin: germline.

Center for Genomic Medicine, Rigshospitalet, Copenhagen University Hospital
Classification: Uncertain significance. Last evaluated: 2025-12-29. Review status: criteria provided, single submitter. Criteria: ACMG Guidelines, 2015. Collection method: clinical testing. Allele origin: germline.
Comment: Classification criteria: BP4, PM2_supporting

Myriad Genetics, Inc.
Classification: Benign for Lynch syndrome 5. Last evaluated: 2025-08-06. Review status: criteria provided, single submitter. Criteria: Myriad Autosomal Dominant, Autosomal Recessive and X-Linked Classification Criteria (2023). Collection method: clinical testing. Allele origin: unknown.
Comment: This variant is considered benign. This variant has been observed in trans with a known pathogenic variant in one or more individuals lacking clinical features consistent with gene-specific recessive disease. This variant is strongly associated with less severe personal and family histories of cancer, typical for individuals without pathogenic variants in this gene [PMID: 27363726].

Ambry Genetics
Classification: Uncertain significance for Hereditary cancer-predisposing syndrome. Last evaluated: 2025-03-12. Review status: criteria provided, single submitter. Criteria: Ambry Variant Classification Scheme 2023. Collection method: clinical testing. Allele origin: germline.
Comment: The p.S1279N variant (also known as c.3836G>A), located in coding exon 9 of the MSH6 gene, results from a G to A substitution at nucleotide position 3836. The serine at codon 1279 is replaced by asparagine, an amino acid with highly similar properties. This alteration was seen in 1/732 breast cancer patients, 1/189 colorectal cancer patients and 0/490 cancer-free elderly controls in a Turkish population (Akcay IM et al. Int J Cancer, 2021 Jan;148:285-295). This amino acid position is highly conserved in available vertebrate species. In addition, the in silico prediction for this alteration is inconclusive. Based on the available evidence, the clinical significance of this variant remains unclear.

GeneDx
Classification: Uncertain significance. Last evaluated: 2024-08-14. Review status: criteria provided, single submitter. Criteria: GeneDx Variant Classification Process June 2021. Collection method: clinical testing. Allele origin: germline. Affected: yes.
Comment: Not observed at significant frequency in large population cohorts (gnomAD); In silico analysis indicates that this missense variant does not alter protein structure/function; Has not been previously published as pathogenic or benign to our knowledge; This variant is associated with the following publications: (PMID: 22949387, 17531815, 21120944)

Color Diagnostics, LLC DBA Color Health
Classification: Uncertain significance for Hereditary cancer-predisposing syndrome. Last evaluated: 2024-08-12. Review status: criteria provided, single submitter. Criteria: ACMG Guidelines, 2015. Collection method: clinical testing. Allele origin: germline.
Comment: This missense variant replaces serine with asparagine at codon 1279 of the MSH6 protein. Computational prediction suggests that this variant may not impact protein structure and function (internally defined REVEL score threshold <= 0.5, PMID: 27666373). To our knowledge, functional studies have not been reported for this variant. This variant has been reported in an individual affected with colorectal cancer (PMID: 32658311), in individuals affected with breast and/or ovarian cancer (PMID: 32658311, 33471991, 34359559), and in a healthy unaffected control individual in a breast cancer study (PMID: 33471991). This variant has been identified in 1/250898 chromosomes in the general population by the Genome Aggregation Database (gnomAD). The available evidence is insufficient to determine the role of this variant in disease conclusively. Therefore, this variant is classified as a Variant of Uncertain Significance.

All of Us Research Program, National Institutes of Health
Classification: Uncertain significance for Lynch syndrome. Last evaluated: 2023-07-10. Review status: criteria provided, single submitter. Criteria: ACMG Guidelines, 2015. Collection method: clinical testing. Allele origin: germline. Inheritance: Autosomal dominant inheritance. Observed: 7 variant alleles, 7 heterozygotes.
Comment: This missense variant replaces serine with asparagine at codon 1279 of the MSH6 protein. Computational prediction suggests that this variant may not impact protein structure and function (internally defined REVEL score threshold <= 0.5, PMID: 27666373). To our knowledge, functional studies have not been reported for this variant. This variant has been reported in an individual affected with breast/ovarian cancer (PMID: 34359559). This variant has been identified in 1/250898 chromosomes in the general population by the Genome Aggregation Database (gnomAD). The available evidence is insufficient to determine the role of this variant in disease conclusively. Therefore, this variant is classified as a Variant of Uncertain Significance.

This study involves interpretation of variants in research participants for the purpose of population health screening. Participant phenotype was not available at the time of variant classification. Additional details can be found in publication PMID: 35346344, PMCID: PMC8962531

Department of Pathology and Laboratory Medicine, Sinai Health System
Classification: Uncertain significance for Endometrial carcinoma; Lynch syndrome 5; Mismatch repair cancer syndrome 3. Last evaluated: 2023-06-14. Review status: criteria provided, single submitter. Criteria: ACMG Guidelines, 2015. Collection method: clinical testing. Allele origin: germline. Affected: no.

Quest Diagnostics Nichols Institute San Juan Capistrano
Classification: Uncertain significance. Last evaluated: 2023-01-09. Review status: criteria provided, single submitter. Criteria: Quest Diagnostics criteria. Collection method: clinical testing. Allele origin: unknown.
Comment: This variant has not been described in online databases. The frequency of this variant in the general population, 0.000004 (1/250898 chromosomes), is uninformative in assessment of its pathogenicity. In the published literature, the variant has been reported in individuals with colorectal cancer and breast cancer (PMID: 32658311 (2011)). In a large-scale breast cancer association study, the variant was observed in an individual with breast cancer as well as in an unaffected control individual (PMID: 33471991 (2021), see also LOVD). Analysis of this variant using bioinformatics tools for the prediction of the effect of amino acid changes on protein structure and function yielded predictions that this variant is benign. Based on the available information, we are unable to determine the clinical significance of this variant.

Mendelics
Classification: Uncertain significance. Last evaluated: 2022-05-04. Review status: criteria provided, single submitter. Criteria: Mendelics Assertion Criteria 2019. Collection method: clinical testing. Allele origin: germline.

Counsyl
Classification: Uncertain significance for Lynch syndrome 5. Last evaluated: 2017-10-18. Review status: no assertion criteria provided. Collection method: clinical testing. Allele origin: unknown. Not counted in ClinVar's aggregate classification.

Literature cited by the submitters: PubMed 27363726 (cited by Myriad Genetics, Inc.); PubMed 32658311 (cited by 3 submitters); PubMed 33471991 (cited by Color Diagnostics, LLC DBA Color Health and Quest Diagnostics Nichols Institute San Juan Capistrano); PubMed 34359559 (cited by Color Diagnostics, LLC DBA Color Health and All of Us Research Program, National Institutes of Health).

NM_000179.3(MSH6):c.3836G>A (p.Ser1279Asn)

Gene: MSH6 (mutS homolog 6; plus strand). Cytogenetic location: 2p16.3.
Variant type: single nucleotide variant.
Coding change: c.3836G>A on transcript NM_000179.3 (MANE Select); coding-DNA position 3836, G replaced by A.
Protein change: p.Ser1279Asn; replaces serine 1279 with asparagine.
Molecular consequence: missense variant.
Genome position (GRCh38, 1-based): chr2:47,806,486, G>A. VCF-style: chr2-47806486-G-A. GRCh37 (hg19) VCF-style: chr2-48033625-G-A.
Other names: c.3446G>A, p.Ser1149Asn (NM_001281492.2); c.2930G>A, p.Ser977Asn (NM_001281493.2, NM_001281494.2); short protein forms S1279N, S1149N, S977N.
Identifiers: ClinVar variation 220159 (VCV000220159.33), dbSNP rs864622400, ClinGen allele CA349759.